The following is an entry in ClinVar:

ClinVar aggregate classification (germline): Uncertain significance (1 of 4 stars; one submission).

Conditions:
Fanconi anemia (FA). Also called: Fanconi's anemia. Identifiers: Orphanet 84, MedGen C0015625, MeSH D005199, MONDO:0019391.

Allele frequency attached by ClinVar (database versions not stated): ExAC 0.00001; gnomAD exomes below 0.00001.
gnomAD v4.1: 4 of 1,614,188 alleles (0.00025%); highest among the groups gnomAD compares: East Asian, 0.0022%; no homozygotes.

Submission:

Labcorp Genetics (formerly Invitae), Labcorp
Classification: Uncertain significance for Fanconi anemia. Last evaluated: 2023-01-22. Review status: criteria provided, single submitter. Criteria: Invitae Variant Classification Sherloc (09022015). Collection method: clinical testing. Allele origin: germline.
Comment: In summary, the available evidence is currently insufficient to determine the role of this variant in disease. Therefore, it has been classified as a Variant of Uncertain Significance. Algorithms developed to predict the effect of missense changes on protein structure and function output the following: SIFT: "Tolerated"; PolyPhen-2: "Possibly Damaging"; Align-GVGD: "Class C0". The leucine amino acid residue is found in multiple mammalian species, which suggests that this missense change does not adversely affect protein function. ClinVar contains an entry for this variant (Variation ID: 1043516). This variant has not been reported in the literature in individuals affected with SLX4-related conditions. This variant is present in population databases (rs765630089, gnomAD 0.006%). This sequence change replaces proline, which is neutral and non-polar, with leucine, which is neutral and non-polar, at codon 111 of the SLX4 protein (p.Pro111Leu).

NM_032444.4(SLX4):c.332C>T (p.Pro111Leu)

Gene: SLX4 (SLX4 structure-specific endonuclease subunit; minus strand). Cytogenetic location: 16p13.3.
Variant type: single nucleotide variant.
Coding change: c.332C>T on transcript NM_032444.4 (MANE Select); coding-DNA position 332, C replaced by T.
Protein change: p.Pro111Leu; replaces proline 111 with leucine.
Molecular consequence: missense variant.
Genome position (GRCh38, 1-based): chr16:3,608,633, G>A on the plus strand (C>T on the coding strand, the complement: SLX4 is on the minus strand). VCF-style: chr16-3608633-G-A. GRCh37 (hg19) VCF-style: chr16-3658634-G-A.
Other names: short protein forms P111L.
Identifiers: ClinVar variation 1043516 (VCV001043516.7), dbSNP rs765630089, ClinGen allele CA7866905.